The following is an entry in ClinVar:

NM_001128840.3(CACNA1D):c.3497G>C (p.Cys1166Ser)

Genes: CACNA1D (calcium voltage-gated channel subunit alpha1 D; plus strand), LOC129936904 (ATAC-STARR-seq lymphoblastoid active region 19969; plus strand). Cytogenetic location: 3p21.1.
Variant type: single nucleotide variant.
Coding change: c.3497G>C on transcript NM_001128840.3 (MANE Select); coding-DNA position 3497, G replaced by C.
Protein change: p.Cys1166Ser; replaces cysteine 1166 with serine.
Molecular consequence: missense variant.
Genome position (GRCh38, 1-based): chr3:53,749,450, G>C. VCF-style: chr3-53749450-G-C. GRCh37 (hg19) VCF-style: chr3-53783477-G-C.
Other names: c.3557G>C, p.Cys1186Ser (NM_000720.4); c.3497G>C, p.Cys1166Ser (NM_001128839.3); short protein forms C1186S, C1166S.
Identifiers: ClinVar variation 4744598 (VCV004744598.1).

ClinVar aggregate classification (germline): Uncertain significance (1 of 4 stars; one submission).

Submission:

Labcorp Genetics (formerly Invitae), Labcorp
Classification: Uncertain significance. Last evaluated: 2025-03-04. Review status: criteria provided, single submitter. Criteria: Invitae Variant Classification Sherloc (09022015). Collection method: clinical testing. Allele origin: germline.
Comment: This sequence change replaces cysteine, which is neutral and slightly polar, with serine, which is neutral and polar, at codon 1186 of the CACNA1D protein (p.Cys1186Ser). This variant is not present in population databases (gnomAD no frequency). This variant has not been reported in the literature in individuals affected with CACNA1D-related conditions. Invitae Evidence Modeling of protein sequence and biophysical properties (such as structural, functional, and spatial information, amino acid conservation, physicochemical variation, residue mobility, and thermodynamic stability) indicates that this missense variant is not expected to disrupt CACNA1D protein function with a negative predictive value of 80%. In summary, the available evidence is currently insufficient to determine the role of this variant in disease. Therefore, it has been classified as a Variant of Uncertain Significance.